The following is an entry in ClinVar:

ClinVar aggregate classification (germline): Uncertain significance (0 of 4 stars; one submission).

Conditions:
Deficiency of UDPglucose-hexose-1-phosphate uridylyltransferase. Also called: GALT deficiency; Galactosemia, classic; GALACTOSEMIA I; GALACTOSE-1-PHOSPHATE URIDYLYLTRANSFERASE DEFICIENCY; Transferase Deficiency Galactosemia. Identifiers: Orphanet 352, Orphanet 79239, MedGen C0268151, MONDO:0009258, OMIM 230400.

Allele frequency attached by ClinVar (database versions not stated): TOPMed below 0.00001.

Submission:

Istanbul Faculty of Medicine, Istanbul University
Classification: Uncertain significance for Deficiency of UDPglucose-hexose-1-phosphate uridylyltransferase. Last evaluated: 2017-03-18. Review status: no assertion criteria provided. Collection method: clinical testing. Allele origin: de novo. Affected: yes. Observed: 1 variant allele.
Comment: Together with Duarte variant c.940A>G

NM_000155.4(GALT):c.727G>A (p.Val243Ile)

Gene: GALT (galactose-1-phosphate uridylyltransferase; plus strand). Cytogenetic location: 9p13.3.
Variant type: single nucleotide variant.
Coding change: c.727G>A on transcript NM_000155.4 (MANE Select); coding-DNA position 727, G replaced by A.
Protein change: p.Val243Ile; replaces valine 243 with isoleucine.
Molecular consequence: missense variant.
Genome position (GRCh38, 1-based): chr9:34,648,801, G>A. VCF-style: chr9-34648801-G-A. GRCh37 (hg19) VCF-style: chr9-34648798-G-A.
Other names: c.400G>A, p.Val134Ile (NM_001258332.2); short protein forms V134I, V243I.
Identifiers: ClinVar variation 1332997 (VCV001332997.2), dbSNP rs1403255940, ClinGen allele CA373283603.